The following is an entry in ClinVar:

NM_015175.3(NBEAL2):c.2650-1G>A

Gene: NBEAL2 (neurobeachin like 2; plus strand). Cytogenetic location: 3p21.31.
Variant type: single nucleotide variant.
Coding change: c.2650-1G>A on transcript NM_015175.3 (MANE Select); the canonical splice acceptor site of the intron before coding-DNA position 2650, G replaced by A.
Molecular consequence: splice acceptor variant.
Genome position (GRCh38, 1-based): chr3:46,997,258, G>A. VCF-style: chr3-46997258-G-A. GRCh37 (hg19) VCF-style: chr3-47038748-G-A.
Other names: c.2548-1G>A (NM_001365116.2).
Identifiers: ClinVar variation 982286 (VCV000982286.1), dbSNP rs2036570687, ClinGen allele CA352510654.

ClinVar aggregate classification (germline): Pathogenic (1 of 4 stars; one submission).

Conditions:
Gray platelet syndrome (GPS). Also called: BLEEDING DISORDER, PLATELET-TYPE, 4. Identifiers: Orphanet 721, MedGen C0272302, MONDO:0007686, OMIM 139090.

Submission:

NIHR Bioresource Rare Diseases, University of Cambridge
Classification: Pathogenic for Gray platelet syndrome. Last evaluated: 2020-03-01. Review status: criteria provided, single submitter. Criteria: ACMG Guidelines, 2015. Collection method: research. Allele origin: unknown. Inheritance: Autosomal recessive inheritance. Affected: yes. Observed: 1 compound heterozygote.
Comment: ACMG criteria: PVS1, PM2, PP4

Literature cited by the submitters: PubMed 32693407.